The following is an entry in ClinVar:

ClinVar aggregate classification (germline): Conflicting classifications of pathogenicity. Review status: criteria provided, conflicting classifications (1 of 4 stars). 3 submissions from 3 submitters: Uncertain significance (2); Likely benign (1). Last evaluated 2026-05-15.

Conditions:
Cardiovascular phenotype. Identifiers: MedGen CN230736.

Allele frequency attached by ClinVar (database versions not stated): TOPMed below 0.00001; gnomAD exomes 0.00001 and 0.00002; ExAC 0.00002.
gnomAD v4.1: 17 of 1,613,540 alleles (0.0011%); highest among the groups gnomAD compares: South Asian, 0.0055%; no homozygotes.

Submissions (3):

Ambry Genetics
Classification: Likely benign for Cardiovascular phenotype. Last evaluated: 2026-05-15. Review status: criteria provided, single submitter. Criteria: Ambry Variant Classification Scheme 2023. Collection method: clinical testing. Allele origin: germline.

GeneDx
Classification: Uncertain significance. Last evaluated: 2024-05-24. Review status: criteria provided, single submitter. Criteria: GeneDx Variant Classification Process June 2021. Collection method: clinical testing. Allele origin: germline. Affected: yes.
Comment: Has not been previously published as pathogenic or benign to our knowledge; Not observed at significant frequency in large population cohorts (gnomAD); In silico analysis indicates that this missense variant does not alter protein structure/function

CeGaT Center for Human Genetics Tuebingen
Classification: Uncertain significance. Last evaluated: 2018-10-01. Review status: criteria provided, single submitter. Criteria: CeGaT Center For Human Genetics Tuebingen Variant Classification Criteria Version 2. Collection method: clinical testing. Allele origin: germline. Affected: yes. Observed: 1 variant allele.

NM_001365276.2(TNXB):c.4333G>A (p.Glu1445Lys)

Gene: TNXB (tenascin XB; minus strand). Cytogenetic location: 6p21.33.
Variant type: single nucleotide variant.
Coding change: c.4333G>A on transcript NM_001365276.2 (MANE Select); coding-DNA position 4333, G replaced by A.
Protein change: p.Glu1445Lys; replaces glutamic acid 1445 with lysine.
Molecular consequence: missense variant.
Genome position (GRCh38, 1-based): chr6:32,079,075, C>T on the plus strand (G>A on the coding strand, the complement: TNXB is on the minus strand). VCF-style: chr6-32079075-C-T. GRCh37 (hg19) VCF-style: chr6-32046852-C-T.
Other names: c.4333G>A, p.Glu1445Lys (NM_019105.8); c.4333G>A (NM_019105.6); short protein forms E1445K.
Identifiers: ClinVar variation 809903 (VCV000809903.44), dbSNP rs765829589, ClinGen allele CA3734980.